The following is an entry in ClinVar:

ClinVar aggregate classification (germline): Likely benign. Review status: criteria provided, multiple submitters, no conflicts (2 of 4 stars). 3 submissions from 3 submitters: Likely benign (3). Last evaluated 2025-08-28.

Conditions:
TTN-related disorder. Also called: TTN-related condition; TTN-related disease; TTN-related disorders.
Autosomal recessive limb-girdle muscular dystrophy type 2J (LGMDR10). Also called: Limb-girdle muscular dystrophy, type 2J; MUSCULAR DYSTROPHY, LIMB-GIRDLE, AUTOSOMAL RECESSIVE 10. Identifiers: Orphanet 140922, MedGen C1837342, MONDO:0012127, OMIM 608807.
Dilated cardiomyopathy 1G (CMD1G). Identifiers: Orphanet 154, MedGen C1858763, MONDO:0011400, OMIM 604145.
Cardiovascular phenotype. Identifiers: MedGen CN230736.

Allele frequency attached by ClinVar (database versions not stated): TOPMed 0.00001.

Submissions (3):

PreventionGenetics, part of Exact Sciences
Classification: Likely benign for TTN-related condition. Last evaluated: 2025-08-28. Review status: criteria provided, single submitter. Criteria: ACMG Guidelines, 2015. Collection method: clinical testing. Allele origin: germline.
Comment: This variant is classified as likely benign based on ACMG/AMP sequence variant interpretation guidelines (Richards et al. 2015 PMID: 25741868, with internal and published modifications).

Labcorp Genetics (formerly Invitae), Labcorp
Classification: Likely benign for Dilated cardiomyopathy 1G; Autosomal recessive limb-girdle muscular dystrophy type 2J. Last evaluated: 2025-03-31. Review status: criteria provided, single submitter. Criteria: Invitae Variant Classification Sherloc (09022015). Collection method: clinical testing. Allele origin: germline.

Ambry Genetics
Classification: Likely benign for Cardiovascular phenotype. Last evaluated: 2023-08-07. Review status: criteria provided, single submitter. Criteria: Ambry Variant Classification Scheme 2023. Collection method: clinical testing. Allele origin: germline.

NM_001267550.2(TTN):c.69174A>T (p.Thr23058=)

Genes: TTN (titin; minus strand), TTN-AS1 (TTN antisense RNA 1; plus strand). Cytogenetic location: 2q31.2.
Variant type: single nucleotide variant.
Coding change: c.69174A>T on transcript NM_001267550.2 (MANE Select); coding-DNA position 69174, A replaced by T.
Protein change: p.Thr23058=; no amino-acid change (threonine 23058 retained).
Molecular consequence: synonymous variant.
Genome position (GRCh38, 1-based): chr2:178,577,161, T>A on the plus strand (A>T on the coding strand, the complement: TTN is on the minus strand). VCF-style: chr2-178577161-T-A. GRCh37 (hg19) VCF-style: chr2-179441888-T-A.
Other names: c.64251A>T, p.Thr21417= (NM_001256850.1); c.41979A>T, p.Thr13993= (NM_003319.4); c.61470A>T, p.Thr20490= (NM_133378.4); c.42354A>T, p.Thr14118= (NM_133432.3); c.42555A>T, p.Thr14185= (NM_133437.4).
Identifiers: ClinVar variation 1111130 (VCV001111130.10), dbSNP rs909042357, ClinGen allele CA61004536.